The following is an entry in ClinVar:

ClinVar aggregate classification (germline): Pathogenic. Review status: criteria provided, multiple submitters, no conflicts (2 of 4 stars). 3 submissions from 3 submitters: Pathogenic (3). Last evaluated 2023-09-22.

Conditions:
Hereditary cancer-predisposing syndrome. Also called: Neoplastic Syndromes, Hereditary; Tumor predisposition; Hereditary neoplastic syndrome; Hereditary Cancer Syndrome. Identifiers: Orphanet 140162, MedGen C0027672, MeSH D009386, MONDO:0015356.
Familial cancer of breast. Also called: BREAST CANCER, FAMILIAL; Hereditary breast cancer; hereditary breast carcinoma. Identifiers: Orphanet 227535, MedGen C0346153, MONDO:0016419, OMIM 114480. Disease mechanism: loss of function.
Ataxia-telangiectasia syndrome (AT). Also called: Ataxia telangiectasia (A-T); LOUIS-BAR SYNDROME; Cerebello-oculocutaneous telangiectasia; Immunodeficiency with ataxia telangiectasia; Ataxia-telangiectasia, complementation group D; AT, COMPLEMENTATION GROUP C. Identifiers: Orphanet 100, MedGen C0004135, MONDO:0008840, OMIM 208900.

Submissions (3):

Department of Pathology and Laboratory Medicine, Sinai Health System
Classification: Pathogenic for Familial cancer of breast. Last evaluated: 2023-09-22. Review status: criteria provided, single submitter. Criteria: ACMG Guidelines, 2015. Collection method: clinical testing. Allele origin: germline. Affected: yes.

Labcorp Genetics (formerly Invitae), Labcorp
Classification: Pathogenic for Ataxia-telangiectasia syndrome. Last evaluated: 2023-05-10. Review status: criteria provided, single submitter. Criteria: Invitae Variant Classification Sherloc (09022015). Collection method: clinical testing. Allele origin: germline.
Comment: ClinVar contains an entry for this variant (Variation ID: 1762761). For these reasons, this variant has been classified as Pathogenic. This variant has not been reported in the literature in individuals affected with ATM-related conditions. This variant is not present in population databases (gnomAD no frequency). This sequence change creates a premature translational stop signal (p.Glu277Lysfs*43) in the ATM gene. It is expected to result in an absent or disrupted protein product. Loss-of-function variants in ATM are known to be pathogenic (PMID: 23807571, 25614872).

Ambry Genetics
Classification: Pathogenic for Hereditary cancer-predisposing syndrome. Last evaluated: 2022-05-24. Review status: criteria provided, single submitter. Criteria: Ambry Variant Classification Scheme 2023. Collection method: clinical testing. Allele origin: germline.
Comment: The c.828delA variant, located in coding exon 6 of the ATM gene, results from a deletion of one nucleotide at nucleotide position 828, causing a translational frameshift with a predicted alternate stop codon (p.E277Kfs*43). This alteration is expected to result in loss of function by premature protein truncation or nonsense-mediated mRNA decay. As such, this alteration is interpreted as a disease-causing mutation.

Literature cited by the submitters: PubMed 23807571 (cited by Labcorp Genetics (formerly Invitae), Labcorp); PubMed 25614872 (cited by Labcorp Genetics (formerly Invitae), Labcorp).

NM_000051.4(ATM):c.828del (p.Glu277fs)

Gene: ATM (ATM serine/threonine kinase; plus strand). Cytogenetic location: 11q22.3.
Variant type: Deletion.
Coding change: c.828del on transcript NM_000051.4 (MANE Select); coding-DNA position 828, one base deleted (A; older notation c.828delA).
Protein change: p.Glu277fs; shifts the reading frame from glutamic acid 277.
Molecular consequence: frameshift variant.
Genome position (GRCh38, 1-based): chr11:108,244,953, A deleted; the last of 4 consecutive A bases (chr11:108,244,950-108,244,953); deleting any one gives the same sequence. VCF-style (leftmost placement, unchanged base first): chr11-108244949-TA-T. GRCh37 (hg19) VCF-style: chr11-108115676-TA-T.
Other names: c.828delA, p.Glu277Lysfs (NM_000051.3); c.828del, p.Glu277fs (NM_001351834.2); c.828del (NM_000051.3); short protein forms E277fs.
Identifiers: ClinVar variation 1762761 (VCV001762761.6), dbSNP rs2135242104, ClinGen allele CA2580082946.